The following is an entry in ClinVar:

NM_000030.3(AGXT):c.454T>A (p.Phe152Ile)

Gene: AGXT (alanine--glyoxylate aminotransferase; plus strand). Cytogenetic location: 2q37.3.
Variant type: single nucleotide variant.
Coding change: c.454T>A on transcript NM_000030.3 (MANE Select); coding-DNA position 454, T replaced by A.
Protein change: p.Phe152Ile; replaces phenylalanine 152 with isoleucine.
Molecular consequence: missense variant.
Genome position (GRCh38, 1-based): chr2:240,871,379, T>A. VCF-style: chr2-240871379-T-A. GRCh37 (hg19) VCF-style: chr2-241810796-T-A.
Other names: short protein forms F152I.
Identifiers: ClinVar variation 5645 (VCV000005645.26), dbSNP rs121908524, ClinGen allele CA340444.

ClinVar aggregate classification (germline): Pathogenic. Review status: criteria provided, multiple submitters, no conflicts (2 of 4 stars). 13 submissions from 13 submitters: Pathogenic (8). 5 of the submissions do not count toward it. Last evaluated 2026-01-14.

Conditions:
AGXT-related disorder. Also called: AGXT-related condition.
Primary hyperoxaluria. Identifiers: Orphanet 416, MedGen C0020501, MONDO:0002474.
Primary hyperoxaluria, type I (HP1). Also called: GLYCOLIC ACIDURIA; HEPATIC AGT DEFICIENCY; OXALOSIS I; Primary hyperoxaluria type 1. Identifiers: Orphanet 416, Orphanet 93598, MedGen C0268164, MONDO:0009823, OMIM 259900. Disease mechanism: loss of function.

Allele frequency attached by ClinVar (database versions not stated): ExAC 0.00017; gnomAD 0.00016 and 0.00015; gnomAD exomes 0.00009; TOPMed 0.00012.
gnomAD v4.1: 171 of 1,597,214 alleles (0.011%); highest among the groups gnomAD compares: Non-Finnish European, 0.014%; no homozygotes.

Submissions (13):

Labcorp Genetics (formerly Invitae), Labcorp
Classification: Pathogenic. Last evaluated: 2026-01-14. Review status: criteria provided, single submitter. Criteria: Invitae Variant Classification Sherloc (09022015). Collection method: clinical testing. Allele origin: germline.
Comment: This sequence change replaces phenylalanine, which is neutral and non-polar, with isoleucine, which is neutral and non-polar, at codon 152 of the AGXT protein (p.Phe152Ile). This variant is present in population databases (rs121908524, gnomAD 0.02%). This missense change has been observed in individual(s) with hyperoxaluria (PMID: 8101040, 11708860, 25363903). In at least one individual the data is consistent with being in trans (on the opposite chromosome) from a pathogenic variant. ClinVar contains an entry for this variant (Variation ID: 5645). Invitae Evidence Modeling of protein sequence and biophysical properties (such as structural, functional, and spatial information, amino acid conservation, physicochemical variation, residue mobility, and thermodynamic stability) indicates that this missense variant is expected to disrupt AGXT protein function with a positive predictive value of 80%. Experimental studies have shown that this missense change affects AGXT function (PMID: 10960483). For these reasons, this variant has been classified as Pathogenic.

PreventionGenetics, part of Exact Sciences
Classification: Pathogenic for AGXT-related condition. Last evaluated: 2025-12-04. Review status: criteria provided, single submitter. Criteria: ACMG Guidelines, 2015. Collection method: clinical testing. Allele origin: germline.
Comment: The AGXT c.454T>A variant is predicted to result in the amino acid substitution p.Phe152Ile. This variant has been reported in multiple unrelated patients with primary hyperoxaluria (Lumb et al. 2000. PubMed ID: 10960483; Berini et al. 2015. PubMed ID: 25363903; Mandrile et al. 2014. PubMed ID: 24988064). Experimental studies indicate this variant impacts protein function (Lumb et al. 2000. PubMed ID: 10960483; Hopper et al. 2008. PubMed ID: 18782763). This variant is reported in 0.017% of alleles in individuals of European (non-Finnish) descent in gnomAD and is consistently reported in ClinVar as pathogenic (ClinVar ID: 5645). This variant is interpreted as pathogenic.

Natera, Inc.
Classification: Pathogenic for Primary hyperoxaluria type I. Last evaluated: 2025-06-24. Review status: criteria provided, single submitter. Criteria: Natera Variant Classification Schema (03/2026). Collection method: clinical testing. Allele origin: germline.
Comment: The c.454T>A variant in AGXT is a missense variant predicted to cause substitution of phenylalanine to isoleucine at amino acid 152. This variant is rare in the general population with a frequency below the threshold expected for the associated phenotype(s). This variant has been observed in one or more individuals affected with the associated recessive disease, as either homozygous or compound heterozygous with a second variant (PMID: 17460142). Computational prediction algorithms indicate this variant is likely to affect gene or protein function. Given the available evidence, this variant is classified as Pathogenic.

Dasa
Classification: Pathogenic. Last evaluated: 2025-04-30. Review status: criteria provided, single submitter. Criteria: DASA Assertion Criteria. Collection method: clinical testing. Allele origin: germline.
Comment: NM_000030.3(AGXT):c.454T>A (p.Phe152Ile) is a missense variant that results in the substitution of phenylalanine with isoleucine. This variant has been observed in affected individuals with related phenotype in a genotype context consistent with recessive disease (PMID: 10960483; PMID: 8101040; PMID: 11708860; PMID: 25363903). Functional evidence supports a deleterious effect on the gene or gene product (PMID: 10960483; PMID: 8101040; PMID: 11708860; PMID: 25363903). This variant has been recurrently observed in individuals with related phenotype (PMID: 10960483; PMID: 8101040; PMID: 11708860; PMID: 25363903). Multiple computational predictions support a deleterious effect on the gene or gene product. The variant is present at low frequency in population datasets. Based on the available data, this variant is classified as pathogenic.

Fulgent Genetics
Classification: Pathogenic for Primary hyperoxaluria, type I. Last evaluated: 2024-02-08. Review status: criteria provided, single submitter. Criteria: ACMG Guidelines, 2015. Collection method: clinical testing. Allele origin: germline.

Women's Health and Genetics/Laboratory Corporation of America, LabCorp
Classification: Pathogenic for Primary hyperoxaluria. Last evaluated: 2018-07-02. Review status: criteria provided, single submitter. Criteria: LabCorp Variant Classification Summary - May 2015. Collection method: clinical testing. Allele origin: germline.
Comment: Variant summary: AGXT c.454T>A (p.Phe152Ile) results in a non-conservative amino acid change located in the Aminotransferase class V domain (IPR000192) of the encoded protein sequence. Five of five in-silico tools predict a damaging effect of the variant on protein function. The variant allele was found at a frequency of 7.6e-05 in 248758 control chromosomes (gnomAD). The variant, c.454T>A, has been reported in the literature in multiple individuals affected with Primary Hyperoxaluria Type 1 (van der Hoeven_2012, Monico_2007). These data indicate that the variant is very likely to be associated with disease. A ClinVar submission from a clinical diagnostic laboratory (evaluation after 2014) cites the variant as "pathogenic." Based on the evidence outlined above, the variant was classified as pathogenic.

Eurofins Ntd Llc (ga)
Classification: Pathogenic. Last evaluated: 2018-06-14. Review status: criteria provided, single submitter. Criteria: EGL ClinVar v180209 classification definitions. Collection method: clinical testing. Allele origin: germline. Observed: 1 variant allele, 1 heterozygote.

Clinical Genetics Service, Universitary Hospital 12 de Octubre
Classification: Pathogenic for Primary hyperoxaluria, type I. Review status: criteria provided, single submitter. Criteria: ACMG Guidelines, 2015. Collection method: clinical testing. Allele origin: germline. Affected: yes.

Counsyl
Classification: Pathogenic for Primary hyperoxaluria, type I. Last evaluated: 2016-05-11. Review status: no assertion criteria provided. Collection method: clinical testing. Allele origin: unknown. Not counted in ClinVar's aggregate classification.

Clinical Biochemistry Laboratory, Health Services Laboratory
Classification: Pathogenic for Primary hyperoxaluria, type I. Last evaluated: 2014-11-27. Review status: no assertion criteria provided. Collection method: in vitro. Allele origin: germline. Affected: yes. Not counted in ClinVar's aggregate classification.

Knight Diagnostic Laboratories, Oregon Health and Sciences University
Classification: Pathogenic for Primary hyperoxaluria, type I. Last evaluated: 2014-05-13. Review status: no assertion criteria provided. Criteria: ACMG Guidelines, 2015. Collection method: clinical testing. Allele origin: germline. Inheritance: Autosomal recessive inheritance. Affected: no. Not counted in ClinVar's aggregate classification.

OMIM
Classification: Pathogenic for HYPEROXALURIA, PRIMARY, TYPE I. Last evaluated: 2013-01-25. Review status: no assertion criteria provided. Collection method: literature only. Allele origin: germline. Not counted in ClinVar's aggregate classification.

GeneReviews
No classification provided. Condition: Primary hyperoxaluria, type I. Review status: no classification provided. Collection method: literature only. Allele origin: germline. Affected: yes. Not counted in ClinVar's aggregate classification.

Literature cited by the submitters: PubMed 8101040 (cited by 4 submitters); PubMed 11708860 (cited by Labcorp Genetics (formerly Invitae), Labcorp and Dasa); PubMed 25363903 (cited by Labcorp Genetics (formerly Invitae), Labcorp and Dasa); PubMed 10960483 (cited by Labcorp Genetics (formerly Invitae), Labcorp and Dasa); PubMed 17460142 (cited by 3 submitters); PubMed 22844106 (cited by Women's Health and Genetics/Laboratory Corporation of America, LabCorp); PubMed 23229545 (cited by Counsyl and OMIM); PubMed 24988064 (cited by Counsyl); PubMed 9136629 (cited by OMIM); PubMed 19155213 (cited by OMIM); NCBI Bookshelf NBK1283 (cited by GeneReviews).